The following is an entry in ClinVar:

NM_001363.5(DKC1):c.1494GAA[6] (p.Lys505del)

Gene: DKC1 (dyskerin pseudouridine synthase 1; plus strand). Cytogenetic location: Xq28.
Variant type: Microsatellite.
Coding change: c.1494GAA[6] on transcript NM_001363.5 (MANE Select); six copies in a row of the 3-base unit GAA starting at c.1494; the reference has seven copies in a row; one copy, 3 bases deleted; also written c.1512_1514del.
Protein change: p.Lys505del; deletes lysine 505.
Molecular consequence: inframe deletion. On other transcripts: 3 prime UTR variant (1), non-coding transcript variant (3).
Genome position (GRCh38, 1-based): chrX:154,776,834-154,776,836, GAA deleted; deleting any 3 consecutive bases within chrX:154,776,814-154,776,836 gives the same sequence; the position shown is the placement nearest the transcript's 3' end. VCF-style (leftmost placement, unchanged base first): chrX-154776813-CAAG-C. GRCh37 (hg19) VCF-style: chrX-154005088-CAAG-C.
Other names: c.1512_1514delGAA (NM_001363.5); c.1479GAA[6], p.Lys500del (NM_001142463.3); c.*720GAA[6] (NM_001288747.2); c.1512_1514del (NM_001363.4); short protein forms K505del, K500del.
Identifiers: ClinVar variation 238951 (VCV000238951.32), dbSNP rs782576893, ClinGen allele CA10567298.

ClinVar aggregate classification (germline): Conflicting classifications of pathogenicity. Review status: criteria provided, conflicting classifications (1 of 4 stars). 13 submissions from 13 submitters: Uncertain significance (1); Benign (3); Likely benign (4). 5 of the submissions do not count toward it. Last evaluated 2026-01-27.

Conditions:
DKC1-related disorder. Also called: DKC1-related condition. Identifiers: MedGen CN294808, MONDO:0100152.
Dyskeratosis congenita. Identifiers: Orphanet 1775, MedGen C0265965, MONDO:0015780.
Dyskeratosis congenita, X-linked (DKCX). Also called: Zinsser-Cole-Engman Syndrome. Identifiers: MedGen C1148551, MONDO:0010584, OMIM 305000.

Submissions (13):

Labcorp Genetics (formerly Invitae), Labcorp
Classification: Benign for Dyskeratosis congenita. Last evaluated: 2026-01-27. Review status: criteria provided, single submitter. Criteria: Invitae Variant Classification Sherloc (09022015). Collection method: clinical testing. Allele origin: germline.

Blueprint Genetics
Classification: Likely benign. Last evaluated: 2024-11-28. Review status: criteria provided, single submitter. Criteria: ACMG Guidelines, 2015. Collection method: clinical testing. Allele origin: germline.

ARUP Laboratories, Molecular Genetics and Genomics, ARUP Laboratories
Classification: Likely benign. Last evaluated: 2024-01-03. Review status: criteria provided, single submitter. Criteria: ARUP Molecular Germline Variant Investigation Process 2024. Collection method: clinical testing. Allele origin: germline.

Sema4
Classification: Benign for Dyskeratosis congenita. Last evaluated: 2020-02-24. Review status: criteria provided, single submitter. Criteria: Sema4 Curation Guidelines. Collection method: curation. Allele origin: germline.

Johns Hopkins Genomics, Johns Hopkins University
Classification: Likely benign for Dyskeratosis congenita, X-linked. Last evaluated: 2019-01-23. Review status: criteria provided, single submitter. Criteria: ACMG Guidelines, 2015. Collection method: clinical testing. Allele origin: germline.

Ambry Genetics
Classification: Benign for Dyskeratosis congenita. Last evaluated: 2016-09-16. Review status: criteria provided, single submitter. Criteria: Ambry Variant Classification Scheme 2023. Collection method: clinical testing. Allele origin: germline.

Genetic Services Laboratory, University of Chicago
Classification: Uncertain significance. Last evaluated: 2015-09-24. Review status: criteria provided, single submitter. Criteria: ACMG Guidelines, 2015. Collection method: clinical testing. Allele origin: germline. Affected: no.

Eurofins Ntd Llc (ga)
Classification: Likely benign. Last evaluated: 2015-06-16. Review status: criteria provided, single submitter. Criteria: EGL Classification Definitions 2015. Collection method: clinical testing. Allele origin: germline. Observed: 1 variant allele, 1 hemizygote.

PreventionGenetics, part of Exact Sciences
Classification: Benign for DKC1-related condition. Last evaluated: 2020-01-13. Review status: no assertion criteria provided. Collection method: clinical testing. Allele origin: germline. Not counted in ClinVar's aggregate classification.
Comment: This variant is classified as benign based on ACMG/AMP sequence variant interpretation guidelines (Richards et al. 2015 PMID: 25741868, with internal and published modifications).

Clinical Genetics DNA and cytogenetics Diagnostics Lab, Erasmus MC, Erasmus Medical Center
Classification: Benign. Review status: no assertion criteria provided. Collection method: clinical testing. Allele origin: germline. Affected: yes. Study: VKGL Data-share Consensus. Not counted in ClinVar's aggregate classification.

Diagnostic Laboratory, Department of Genetics, University Medical Center Groningen
Classification: Benign. Review status: no assertion criteria provided. Collection method: clinical testing. Allele origin: germline. Affected: yes. Study: VKGL Data-share Consensus. Not counted in ClinVar's aggregate classification.

Genome Diagnostics Laboratory, Amsterdam University Medical Center
Classification: Likely benign. Review status: no assertion criteria provided. Collection method: clinical testing. Allele origin: germline. Affected: yes. Study: VKGL Data-share Consensus. Not counted in ClinVar's aggregate classification.

Laboratory of Diagnostic Genome Analysis, Leiden University Medical Center (LUMC)
Classification: Likely benign. Review status: no assertion criteria provided. Collection method: clinical testing. Allele origin: germline. Affected: yes. Study: VKGL Data-share Consensus. Not counted in ClinVar's aggregate classification.